The following is an entry in ClinVar:

NM_003839.4(TNFRSF11A):c.1082T>C (p.Leu361Pro)

Gene: TNFRSF11A (TNF receptor superfamily member 11a; plus strand). Cytogenetic location: 18q21.33.
Variant type: single nucleotide variant.
Coding change: c.1082T>C on transcript NM_003839.4 (MANE Select); coding-DNA position 1082, T replaced by C.
Protein change: p.Leu361Pro; replaces leucine 361 with proline.
Molecular consequence: missense variant. On other transcripts: intron variant (3).
Genome position (GRCh38, 1-based): chr18:62,368,999, T>C. VCF-style: chr18-62368999-T-C. GRCh37 (hg19) VCF-style: chr18-60036232-T-C.
Other names: c.1040T>C, p.Leu347Pro (NM_001278268.2); c.783+2239T>C (NM_001270949.2); c.730+7206T>C (NM_001270950.2); c.616+8950T>C (NM_001270951.2); short protein forms L347P, L361P.
Identifiers: ClinVar variation 4080549 (VCV004080549.2).

ClinVar aggregate classification (germline): Uncertain significance. Review status: criteria provided, multiple submitters, no conflicts (2 of 4 stars). 2 submissions from 2 submitters: Uncertain significance (2). Last evaluated 2025-04-22.

gnomAD v4.1: 4 of 1,614,248 alleles (0.00025%); highest among the groups gnomAD compares: Non-Finnish European, 0.00025%; no homozygotes.

Submissions (2):

Labcorp Genetics (formerly Invitae), Labcorp
Classification: Uncertain significance. Last evaluated: 2025-04-22. Review status: criteria provided, single submitter. Criteria: Invitae Variant Classification Sherloc (09022015). Collection method: clinical testing. Allele origin: germline.
Comment: This sequence change replaces leucine, which is neutral and non-polar, with proline, which is neutral and non-polar, at codon 361 of the TNFRSF11A protein (p.Leu361Pro). This variant is present in population databases (rs541976552, gnomAD 0.002%). This variant has not been reported in the literature in individuals affected with TNFRSF11A-related conditions. An algorithm developed to predict the effect of missense changes on protein structure and function outputs the following: PolyPhen-2: "Benign". The proline amino acid residue is found in multiple mammalian species, which suggests that this missense change does not adversely affect protein function. In summary, the available evidence is currently insufficient to determine the role of this variant in disease. Therefore, it has been classified as a Variant of Uncertain Significance.

Revvity Omics, Revvity
Classification: Uncertain significance. Last evaluated: 2025-02-13. Review status: criteria provided, single submitter. Criteria: ACMG Guidelines, 2015. Collection method: clinical testing. Allele origin: germline.